The following is an entry in ClinVar:

NM_025114.4(CEP290):c.3448G>A (p.Val1150Ile)

Gene: CEP290 (centrosomal protein 290; minus strand). Cytogenetic location: 12q21.32.
Variant type: single nucleotide variant.
Coding change: c.3448G>A on transcript NM_025114.4 (MANE Select); coding-DNA position 3448, G replaced by A.
Protein change: p.Val1150Ile; replaces valine 1150 with isoleucine.
Molecular consequence: missense variant.
Genome position (GRCh38, 1-based): chr12:88,092,694, C>T on the plus strand (G>A on the coding strand, the complement: CEP290 is on the minus strand). VCF-style: chr12-88092694-C-T. GRCh37 (hg19) VCF-style: chr12-88486471-C-T.
Other names: short protein forms V1150I.
Identifiers: ClinVar variation 1372797 (VCV001372797.6), dbSNP rs2137340972, ClinGen allele CA386003788.
Genomic context (GRCh38, chr12:88,092,694, plus strand): 5'-AAGAAGATACATCTAGTCAAATGGCTAAAATGCTTATATGCACTTACTTTGACACTTCAA[C>T]TTTTAGTTCCATTTCATTCTTCTCTAATTCTAGAATCCGTTGCCTATCAGCATCACTTAC-3'
Protein context (NP_079390.3, residues 1140-1160): ELEKNEMELK[Val1150Ile]EVSKLREISD

ClinVar aggregate classification (germline): Uncertain significance (1 of 4 stars; one submission).

Conditions:
Joubert syndrome. Also called: CEREBELLOPARENCHYMAL DISORDER IV; JOUBERT-BOLTSHAUSER SYNDROME; Familial aplasia of the vermis. Identifiers: Orphanet 475, MedGen C5979921, MONDO:0018772.
Nephronophthisis. Also called: Juvenile Nephronophthisis. Identifiers: Orphanet 655, MedGen C0687120, MONDO:0019005, HP:0000090.
Meckel-Gruber syndrome. Also called: DYSENCEPHALIA SPLANCHNOCYSTICA; GRUBER SYNDROME; Dysencephalia splachnocystica. Identifiers: Orphanet 564, MedGen C0265215, MONDO:0018921.

Submission:

Labcorp Genetics (formerly Invitae), Labcorp
Classification: Uncertain significance for Joubert syndrome; Meckel-Gruber syndrome; Nephronophthisis. Last evaluated: 2021-08-05. Review status: criteria provided, single submitter. Criteria: Invitae Variant Classification Sherloc (09022015). Collection method: clinical testing. Allele origin: germline.
Comment: In summary, the available evidence is currently insufficient to determine the role of this variant in disease. Therefore, it has been classified as a Variant of Uncertain Significance. Algorithms developed to predict the effect of missense changes on protein structure and function (SIFT, PolyPhen-2, Align-GVGD) all suggest that this variant is likely to be tolerated. This variant has not been reported in the literature in individuals affected with CEP290-related conditions. This variant is not present in population databases (ExAC no frequency). This sequence change replaces valine with isoleucine at codon 1150 of the CEP290 protein (p.Val1150Ile). The valine residue is moderately conserved and there is a small physicochemical difference between valine and isoleucine.